The following is an entry in ClinVar:

ClinVar aggregate classification (germline): Uncertain significance. Review status: criteria provided, single submitter (1 of 4 stars). 2 submissions from 2 submitters: Uncertain significance (1). 1 of the submissions does not count toward it. Last evaluated 2022-01-17.

Conditions:
Sanfilippo syndrome. Also called: Mucopolysaccharidosis type 3; Mucopolysaccharidosis Type III; Sanfilippo disease. Identifiers: Orphanet 581, MedGen C0026706, MONDO:0018937.
Mucopolysaccharidosis, MPS-III-D (MPS3D). Also called: N-ACETYLGLUCOSAMINE-6-SULFATASE DEFICIENCY; SANFILIPPO SYNDROME D; MPS III D; Mucopoly-saccharidosis type 3D; N-acetylglucosamine-6-sulfate sulfatase deficiency; MPS 3D. Identifiers: Orphanet 581, Orphanet 79272, MedGen C0086650, MONDO:0009658, OMIM 252940.

Allele frequency attached by ClinVar (database versions not stated): gnomAD exomes below 0.00001.
gnomAD v4.1: 1 of 1,528,990 alleles (0.000065%); highest among the groups gnomAD compares: Admixed American, 0.0017%; no homozygotes.

Submissions (2):

Labcorp Genetics (formerly Invitae), Labcorp
Classification: Uncertain significance for Mucopolysaccharidosis, MPS-III-D. Last evaluated: 2022-01-17. Review status: criteria provided, single submitter. Criteria: Invitae Variant Classification Sherloc (09022015). Collection method: clinical testing. Allele origin: germline.
Comment: This sequence change replaces aspartic acid, which is acidic and polar, with glutamic acid, which is acidic and polar, at codon 441 of the GNS protein (p.Asp441Glu). This variant is not present in population databases (gnomAD no frequency). This variant has not been reported in the literature in individuals affected with GNS-related conditions. Algorithms developed to predict the effect of missense changes on protein structure and function are either unavailable or do not agree on the potential impact of this missense change (SIFT: "Deleterious"; PolyPhen-2: "Benign"; Align-GVGD: "Class C35"). Algorithms developed to predict the effect of sequence changes on RNA splicing suggest that this variant may create or strengthen a splice site. In summary, the available evidence is currently insufficient to determine the role of this variant in disease. Therefore, it has been classified as a Variant of Uncertain Significance.

Natera, Inc.
Classification: Uncertain significance for Sanfilippo disease. Last evaluated: 2025-03-24. Review status: no assertion criteria provided. Collection method: clinical testing. Allele origin: germline. Not counted in ClinVar's aggregate classification.

NM_002076.4(GNS):c.1323C>G (p.Asp441Glu)

Gene: GNS (glucosamine (N-acetyl)-6-sulfatase; minus strand). Cytogenetic location: 12q14.3.
Variant type: single nucleotide variant.
Coding change: c.1323C>G on transcript NM_002076.4 (MANE Select); coding-DNA position 1323, C replaced by G.
Protein change: p.Asp441Glu; replaces aspartic acid 441 with glutamic acid.
Molecular consequence: missense variant.
Genome position (GRCh38, 1-based): chr12:64,721,691, G>C on the plus strand (C>G on the coding strand, the complement: GNS is on the minus strand). VCF-style: chr12-64721691-G-C. GRCh37 (hg19) VCF-style: chr12-65115471-G-C.
Other names: c.1323C>G (NM_002076.3); short protein forms D441E.
Identifiers: ClinVar variation 1966974 (VCV001966974.3), dbSNP rs2539503929, ClinGen allele CA385602328.